The following is an entry in ClinVar:

ClinVar aggregate classification (germline): Uncertain significance (1 of 4 stars; one submission).

Conditions:
Combined immunodeficiency due to LRBA deficiency. Also called: Common variable immunodeficiency 8, with autoimmunity. Identifiers: Orphanet 445018, MedGen C3553512, MONDO:0013863, OMIM 614700.

gnomAD v4.1: 1 of 1,594,364 alleles (0.000063%); highest among the groups gnomAD compares: Non-Finnish European, 0.000086%; no homozygotes.

Submission:

Labcorp Genetics (formerly Invitae), Labcorp
Classification: Uncertain significance for Combined immunodeficiency due to LRBA deficiency. Last evaluated: 2025-09-15. Review status: criteria provided, single submitter. Criteria: Invitae Variant Classification Sherloc (09022015). Collection method: clinical testing. Allele origin: germline.
Comment: This sequence change replaces threonine, which is neutral and polar, with isoleucine, which is neutral and non-polar, at codon 2172 of the LRBA protein (p.Thr2172Ile). This variant is not present in population databases (gnomAD no frequency). This variant has not been reported in the literature in individuals affected with LRBA-related conditions. ClinVar contains an entry for this variant (Variation ID: 2090188). Invitae Evidence Modeling of protein sequence and biophysical properties (such as structural, functional, and spatial information, amino acid conservation, physicochemical variation, residue mobility, and thermodynamic stability) indicates that this missense variant is not expected to disrupt LRBA protein function with a negative predictive value of 80%. In summary, the available evidence is currently insufficient to determine the role of this variant in disease. Therefore, it has been classified as a Variant of Uncertain Significance.

NM_001364905.1(LRBA):c.6482C>T (p.Thr2161Ile)

Gene: LRBA (LPS responsive beige-like anchor protein; minus strand). Cytogenetic location: 4q31.3.
Variant type: single nucleotide variant.
Coding change: c.6482C>T on transcript NM_001364905.1 (MANE Select); coding-DNA position 6482, C replaced by T.
Protein change: p.Thr2161Ile; replaces threonine 2161 with isoleucine.
Molecular consequence: missense variant.
Genome position (GRCh38, 1-based): chr4:150,487,801, G>A on the plus strand (C>T on the coding strand, the complement: LRBA is on the minus strand). VCF-style: chr4-150487801-G-A. GRCh37 (hg19) VCF-style: chr4-151408953-G-A.
Other names: c.6482C>T, p.Thr2161Ile (NM_001199282.3, NM_001367550.1); c.6515C>T, p.Thr2172Ile (NM_006726.5); short protein forms T2172I, T2161I.
Identifiers: ClinVar variation 2090188 (VCV002090188.2), dbSNP rs2546535398, ClinGen allele CA358607246.
Genomic context (GRCh38, chr4:150,487,801, plus strand): 5'-GGCAATCCAAAACTTGTTCCAACGCCAACACGAGGTAGATAGTTAACCACTTTCTTTACT[G>A]TTGCAGGGTCTGGGAAGTTGAACATCACAGCAACTACAACAGATGATTTTTAAAAATTAG-3'
Protein context (NP_001351834.1, residues 2151-2171): AVMFNFPDPA[Thr2161Ile]VKKVVNYLPR